The following is an entry in ClinVar:

ClinVar aggregate classification (germline): Uncertain significance (1 of 4 stars; one submission).

Submission:

GeneDx
Classification: Uncertain significance. Last evaluated: 2022-03-18. Review status: criteria provided, single submitter. Criteria: GeneDx Variant Classification Process June 2021. Collection method: clinical testing. Allele origin: germline. Affected: yes.
Comment: Not observed at significant frequency in large population cohorts (gnomAD); In silico analysis supports that this missense variant has a deleterious effect on protein structure/function; Has not been previously published as pathogenic or benign to our knowledge

NM_173495.3(PTCHD1):c.1235T>A (p.Phe412Tyr)

Gene: PTCHD1 (patched domain containing 1; plus strand). Cytogenetic location: Xp22.11.
Variant type: single nucleotide variant.
Coding change: c.1235T>A on transcript NM_173495.3 (MANE Select); coding-DNA position 1235, T replaced by A.
Protein change: p.Phe412Tyr; replaces phenylalanine 412 with tyrosine.
Molecular consequence: missense variant.
Genome position (GRCh38, 1-based): chrX:23,392,753, T>A. VCF-style: chrX-23392753-T-A. GRCh37 (hg19) VCF-style: chrX-23410870-T-A.
Other names: short protein forms F412Y.
Identifiers: ClinVar variation 1706254 (VCV001706254.2), dbSNP rs1463465671, ClinGen allele CA412583244.